The following is an entry in ClinVar:

ClinVar aggregate classification (germline): Uncertain significance. Review status: criteria provided, multiple submitters, no conflicts (2 of 4 stars). 2 submissions from 2 submitters: Uncertain significance (2). Last evaluated 2025-08-06.

Allele frequency attached by ClinVar (database versions not stated): gnomAD exomes 0.00003 and 0.00008; ExAC 0.00009; 1000 Genomes Project 30x 0.00016; gnomAD 0.00016; TOPMed 0.00016; 1000 Genomes Project 0.00020.

Submissions (2):

Labcorp Genetics (formerly Invitae), Labcorp
Classification: Uncertain significance. Last evaluated: 2025-08-06. Review status: criteria provided, single submitter. Criteria: Invitae Variant Classification Sherloc (09022015). Collection method: clinical testing. Allele origin: germline.
Comment: This sequence change replaces aspartic acid, which is acidic and polar, with asparagine, which is neutral and polar, at codon 41 of the MMP9 protein (p.Asp41Asn). This variant is present in population databases (rs201595065, gnomAD 0.07%), and has an allele count higher than expected for a pathogenic variant. This variant has not been reported in the literature in individuals affected with MMP9-related conditions. ClinVar contains an entry for this variant (Variation ID: 1057022). Invitae Evidence Modeling of protein sequence and biophysical properties (such as structural, functional, and spatial information, amino acid conservation, physicochemical variation, residue mobility, and thermodynamic stability) indicates that this missense variant is not expected to disrupt MMP9 protein function with a negative predictive value of 80%. In summary, the available evidence is currently insufficient to determine the role of this variant in disease. Therefore, it has been classified as a Variant of Uncertain Significance.

Ambry Genetics
Classification: Uncertain significance. Last evaluated: 2024-01-17. Review status: criteria provided, single submitter. Criteria: Ambry Variant Classification Scheme 2023. Collection method: clinical testing. Allele origin: germline.

NM_004994.3(MMP9):c.121G>A (p.Asp41Asn)

Gene: MMP9 (matrix metallopeptidase 9; plus strand). Cytogenetic location: 20q13.12.
Variant type: single nucleotide variant.
Coding change: c.121G>A on transcript NM_004994.3 (MANE Select); coding-DNA position 121, G replaced by A.
Protein change: p.Asp41Asn; replaces aspartic acid 41 with asparagine.
Molecular consequence: missense variant.
Genome position (GRCh38, 1-based): chr20:46,009,047, G>A. VCF-style: chr20-46009047-G-A. GRCh37 (hg19) VCF-style: chr20-44637686-G-A.
Other names: c.121G>A (NM_004994.2); short protein forms D41N.
Identifiers: ClinVar variation 1057022 (VCV001057022.10), dbSNP rs201595065, ClinGen allele CA9886321.